The following is an entry in ClinVar:

ClinVar aggregate classification (germline): Uncertain significance (1 of 4 stars; one submission).

Conditions:
Cardiomyopathy (CMYO). Also called: Cardiomyopathies. Identifiers: Orphanet 167848, MedGen C0878544, MONDO:0004994, HP:0001638. Inheritance: Various modes of inheritance.

Submission:

Color Diagnostics, LLC DBA Color Health
Classification: Uncertain significance for Cardiomyopathy. Last evaluated: 2025-09-18. Review status: criteria provided, single submitter. Criteria: ACMG Guidelines, 2015. Collection method: clinical testing. Allele origin: germline.
Comment: This missense variant replaces isoleucine with phenylalanine at codon 41 of the TNNI3 protein. Computational prediction suggests that this variant may have deleterious impact on protein structure and function. To our knowledge, functional studies have not been reported for this variant. This variant has not been reported in individuals affected with TNNI3-related disorders in the literature. This variant has not been identified in the general population by the Genome Aggregation Database (gnomAD). The available evidence is insufficient to determine the role of this variant in disease conclusively. Therefore, this variant is classified as a Variant of Uncertain Significance.

NM_000363.5(TNNI3):c.121A>T (p.Ile41Phe)

Gene: TNNI3 (troponin I3, cardiac type; minus strand). Cytogenetic location: 19q13.42.
Variant type: single nucleotide variant.
Coding change: c.121A>T on transcript NM_000363.5 (MANE Select); coding-DNA position 121, A replaced by T.
Protein change: p.Ile41Phe; replaces isoleucine 41 with phenylalanine.
Molecular consequence: missense variant.
Genome position (GRCh38, 1-based): chr19:55,156,632, T>A on the plus strand (A>T on the coding strand, the complement: TNNI3 is on the minus strand). VCF-style: chr19-55156632-T-A. GRCh37 (hg19) VCF-style: chr19-55668000-T-A.
Other names: short protein forms I41F.
Identifiers: ClinVar variation 4756337 (VCV004756337.1).